The following is an entry in ClinVar:

NM_004380.3(CREBBP):c.851_854delinsCCCTC (p.Gly284fs)

Gene: CREBBP (CREB binding lysine acetyltransferase; minus strand). Cytogenetic location: 16p13.3.
Variant type: Indel.
Coding change: c.851_854delinsCCCTC on transcript NM_004380.3 (MANE Select); coding-DNA positions 851 to 854, GAGG replaced by CCCTC.
Protein change: p.Gly284fs; shifts the reading frame from glycine 284.
Molecular consequence: frameshift variant.
Genome position (GRCh38, 1-based): chr16:3,810,724-3,810,727, CCTC replaced by GAGGG on the plus strand (GAGG replaced by CCCTC on the coding strand, the reverse complement: CREBBP is on the minus strand). VCF-style: chr16-3810724-CCTC-GAGGG. GRCh37 (hg19) VCF-style: chr16-3860725-CCTC-GAGGG.
Other names: c.851_854delinsCCCTC, p.Gly284fs (NM_001079846.1); short protein forms G284fs.
Identifiers: ClinVar variation 3726327 (VCV003726327.2).

ClinVar aggregate classification (germline): Pathogenic (1 of 4 stars; one submission).

Conditions:
Rubinstein-Taybi syndrome (RSTS). Identifiers: Orphanet 783, MedGen C0035934, MONDO:0019188.

Submission:

Labcorp Genetics (formerly Invitae), Labcorp
Classification: Pathogenic for Rubinstein-Taybi syndrome. Last evaluated: 2024-11-27. Review status: criteria provided, single submitter. Criteria: Invitae Variant Classification Sherloc (09022015). Collection method: clinical testing. Allele origin: germline.
Comment: This sequence change creates a premature translational stop signal (p.Gly284Alafs*66) in the CREBBP gene. It is expected to result in an absent or disrupted protein product. Loss-of-function variants in CREBBP are known to be pathogenic (PMID: 17052327, 18792986). This variant is not present in population databases (gnomAD no frequency). This variant has not been reported in the literature in individuals affected with CREBBP-related conditions. For these reasons, this variant has been classified as Pathogenic.

Literature cited by the submitters: PubMed 17052327; PubMed 18792986.